The following is an entry in ClinVar:

ClinVar aggregate classification (germline): Uncertain significance. Review status: criteria provided, multiple submitters, no conflicts (2 of 4 stars). 9 submissions from 5 submitters: Uncertain significance (9). Last evaluated 2025-08-06.

Conditions:
Hyperkalemic periodic paralysis. Also called: Familial hyperkalemic periodic paralysis; Gamstorp disease. Identifiers: Orphanet 682, MedGen C0238357, MONDO:0008224, OMIM 170500, HP:0007215.
Congenital myasthenic syndrome 16. Identifiers: Orphanet 590, MedGen C3280112, MONDO:0013620, OMIM 614198.
Paramyotonia congenita of Von Eulenburg. Also called: Myotonia congenita intermittens; Von Eulenburg paramyotonia congenita; Paramyotonia Congenita; PARALYSIS PERIODICA PARAMYOTONICA; Eulenburg disease. Identifiers: Orphanet 684, MedGen C0221055, MONDO:0008195, OMIM 168300. Disease mechanism: loss of function.
Congenital myopathy 22A, classic (CMYO22A). Identifiers: MedGen C5830453, MONDO:0957247, OMIM 620351.
Congenital myopathy 22B, severe fetal (CMYO22B). Identifiers: MedGen C5830501, MONDO:0957265, OMIM 620369.
Hypokalemic periodic paralysis, type 2 (HOKPP2). Identifiers: Orphanet 681, MedGen C2750061, MONDO:0013234, OMIM 613345.
Potassium-aggravated myotonia. Also called: Myotonia congenita, atypical, acetazolamide-responsive; MYOTONIA CONGENITA, ACETAZOLAMIDE-RESPONSIVE; MYOTONIA CONGENITA, ATYPICAL; SODIUM CHANNEL MUSCLE DISEASE. Identifiers: Orphanet 612, Orphanet 99734, Orphanet 99735, Orphanet 99736, MedGen C2931826, MONDO:0018959, OMIM 608390.

Allele frequency attached by ClinVar (database versions not stated): gnomAD 0.00003; ExAC 0.00005; TOPMed 0.00003; gnomAD exomes 0.00004.
gnomAD v4.1: 30 of 1,588,840 alleles (0.0019%); highest among the groups gnomAD compares: Middle Eastern, 0.017%; no homozygotes.

Submissions (9):

Labcorp Genetics (formerly Invitae), Labcorp
Classification: Uncertain significance for Hyperkalemic periodic paralysis. Last evaluated: 2025-08-06. Review status: criteria provided, single submitter. Criteria: Invitae Variant Classification Sherloc (09022015). Collection method: clinical testing. Allele origin: germline.
Comment: This sequence change replaces arginine, which is basic and polar, with cysteine, which is neutral and slightly polar, at codon 1828 of the SCN4A protein (p.Arg1828Cys). This variant is present in population databases (rs758511540, gnomAD 0.007%). This missense change has been observed in individual(s) with generalized epilepsy (PMID: 26423924). ClinVar contains an entry for this variant (Variation ID: 577832). Invitae Evidence Modeling of protein sequence and biophysical properties (such as structural, functional, and spatial information, amino acid conservation, physicochemical variation, residue mobility, and thermodynamic stability) indicates that this missense variant is not expected to disrupt SCN4A protein function with a negative predictive value of 95%. In summary, the available evidence is currently insufficient to determine the role of this variant in disease. Therefore, it has been classified as a Variant of Uncertain Significance.

Fulgent Genetics
Classification: Uncertain significance for Paramyotonia congenita of Von Eulenburg; Hyperkalemic periodic paralysis; Potassium-aggravated myotonia; Hypokalemic periodic paralysis, type 2; Congenital myasthenic syndrome 16; Congenital myopathy 22A, classic; Congenital myopathy 22B, severe fetal. Last evaluated: 2024-03-29. Review status: criteria provided, single submitter. Criteria: ACMG Guidelines, 2015. Collection method: clinical testing. Allele origin: germline.

GeneDx
Classification: Uncertain significance. Last evaluated: 2022-05-23. Review status: criteria provided, single submitter. Criteria: GeneDx Variant Classification Process June 2021. Collection method: clinical testing. Allele origin: germline. Affected: yes.
Comment: Reported in a heterozygous state in an individual with generalized epilepsy in published literature (Coll et al., 2016); In silico analysis supports that this missense variant does not alter protein structure/function; This variant is associated with the following publications: (PMID: 26423924)

Athena Diagnostics
Classification: Uncertain significance. Last evaluated: 2019-04-23. Review status: criteria provided, single submitter. Criteria: Athena Diagnostics Criteria. Collection method: clinical testing. Allele origin: germline.

Illumina Laboratory Services, Illumina
Classification: Uncertain significance for Hyperkalemic periodic paralysis. Last evaluated: 2018-01-12. Review status: criteria provided, single submitter. Criteria: ICSL Variant Classification Criteria 13 December 2019. Collection method: clinical testing. Allele origin: germline.

Illumina Laboratory Services, Illumina
Classification: Uncertain significance for Potassium-aggravated myotonia. Last evaluated: 2018-01-12. Review status: criteria provided, single submitter. Criteria: ICSL Variant Classification Criteria 13 December 2019. Collection method: clinical testing. Allele origin: germline.

Illumina Laboratory Services, Illumina
Classification: Uncertain significance for Congenital myasthenic syndrome 16. Last evaluated: 2018-01-12. Review status: criteria provided, single submitter. Criteria: ICSL Variant Classification Criteria 13 December 2019. Collection method: clinical testing. Allele origin: germline.

Illumina Laboratory Services, Illumina
Classification: Uncertain significance for Hypokalemic periodic paralysis, type 2. Last evaluated: 2018-01-12. Review status: criteria provided, single submitter. Criteria: ICSL Variant Classification Criteria 13 December 2019. Collection method: clinical testing. Allele origin: germline.

Illumina Laboratory Services, Illumina
Classification: Uncertain significance for Paramyotonia congenita of Von Eulenburg. Last evaluated: 2018-01-12. Review status: criteria provided, single submitter. Criteria: ICSL Variant Classification Criteria 13 December 2019. Collection method: clinical testing. Allele origin: germline.

Literature cited by the submitters: PubMed 26423924 (cited by Labcorp Genetics (formerly Invitae), Labcorp and Athena Diagnostics).

NM_000334.4(SCN4A):c.5482C>T (p.Arg1828Cys)

Genes: GH-LCR (growth hormone locus control region; plus strand), SCN4A (sodium voltage-gated channel alpha subunit 4; minus strand). Cytogenetic location: 17q23.3.
Variant type: single nucleotide variant.
Coding change: c.5482C>T on transcript NM_000334.4 (MANE Select); coding-DNA position 5482, C replaced by T.
Protein change: p.Arg1828Cys; replaces arginine 1828 with cysteine.
Molecular consequence: missense variant.
Genome position (GRCh38, 1-based): chr17:63,940,800, G>A on the plus strand (C>T on the coding strand, the complement: SCN4A is on the minus strand). VCF-style: chr17-63940800-G-A. GRCh37 (hg19) VCF-style: chr17-62018160-G-A.
Other names: short protein forms R1828C.
Identifiers: ClinVar variation 577832 (VCV000577832.20), dbSNP rs758511540, ClinGen allele CA8708739.
Genomic context (GRCh38, chr17:63,940,800, plus strand): 5'-GAGACTCAGTGGGCCACCCCGATGCTGCCTGCTAGACAAGAGACTCCTTGACACCTGGGC[G>A]CACAGTCTGCCCTGGGGGAGGGGCGGGAGGCCAGGCAGTGTCTGAGGGGCTGATGGGCAT-3'
Protein context (NP_000325.4, residues 1818-1836): PPAPPPGQTV[Arg1828Cys]PGVKESLV